The following is an entry in ClinVar:

NM_001281740.3(FHOD3):c.1000C>T (p.Pro334Ser)

Gene: FHOD3 (formin homology 2 domain containing 3; plus strand). Cytogenetic location: 18q12.2.
Variant type: single nucleotide variant.
Coding change: c.1000C>T on transcript NM_001281740.3 (MANE Select); coding-DNA position 1000, C replaced by T.
Protein change: p.Pro334Ser; replaces proline 334 with serine.
Molecular consequence: missense variant.
Genome position (GRCh38, 1-based): chr18:36,625,553, C>T. VCF-style: chr18-36625553-C-T. GRCh37 (hg19) VCF-style: chr18-34205516-C-T.
Other names: c.1000C>T, p.Pro334Ser (NM_001281739.3, NM_025135.5); c.1000C>T (NM_001281740.2); short protein forms P334S.
Identifiers: ClinVar variation 2338505 (VCV002338505.4), dbSNP rs1028485249, ClinGen allele CA298939936.

ClinVar aggregate classification (germline): Uncertain significance. Review status: criteria provided, multiple submitters, no conflicts (2 of 4 stars). 2 submissions from 2 submitters: Uncertain significance (2). Last evaluated 2026-06-20.

Conditions:
FHOD3-related disorder. Also called: FHOD3-related condition.
Inborn genetic diseases. Identifiers: MedGen C0950123, MeSH D030342.

Allele frequency attached by ClinVar (database versions not stated): gnomAD 0.00002; TOPMed 0.00002.

Submissions (2):

PreventionGenetics, part of Exact Sciences
Classification: Uncertain significance for FHOD3-related condition. Last evaluated: 2026-06-20. Review status: criteria provided, single submitter. Criteria: ACMG Guidelines, 2015. Collection method: clinical testing. Allele origin: germline.
Comment: The FHOD3 c.1000C>T variant is predicted to result in the amino acid substitution p.Pro334Ser. To our knowledge, this variant has not been reported in the literature. This variant is reported in 0.0% of alleles in individuals of African descent in gnomAD. At this time, the clinical significance of this variant is uncertain due to the absence of conclusive functional and genetic evidence.

Ambry Genetics
Classification: Uncertain significance for Inborn genetic diseases. Last evaluated: 2025-05-19. Review status: criteria provided, single submitter. Criteria: Ambry Variant Classification Scheme 2023. Collection method: clinical testing. Allele origin: germline.